The following is an entry in ClinVar:

NM_032861.4(SERAC1):c.1308+7G>A

Gene: SERAC1 (serine active site containing 1; minus strand). Cytogenetic location: 6q25.3.
Variant type: single nucleotide variant.
Coding change: c.1308+7G>A on transcript NM_032861.4 (MANE Select); 7 bases into the intron after coding-DNA position 1308, G replaced by A.
Molecular consequence: intron variant.
Genome position (GRCh38, 1-based): chr6:158,119,022, C>T on the plus strand (G>A on the coding strand, the complement: SERAC1 is on the minus strand). VCF-style: chr6-158119022-C-T. GRCh37 (hg19) VCF-style: chr6-158540054-C-T.
Identifiers: ClinVar variation 388737 (VCV000388737.29), dbSNP rs201873667, ClinGen allele CA4071146.

ClinVar aggregate classification (germline): Likely benign. Review status: criteria provided, multiple submitters, no conflicts (2 of 4 stars). 6 submissions from 6 submitters: Likely benign (5). 1 of the submissions does not count toward it. Last evaluated 2026-01-19.

Conditions:
SERAC1-related disorder. Also called: SERAC1-related condition; SERAC1-related disorders.
3-methylglutaconic aciduria with deafness, encephalopathy, and Leigh-like syndrome (MEGDEL). Also called: 3-METHYLGLUTACONIC ACIDURIA, TYPE VI; SERAC1 Deficiency; MEGDEL syndrome. Identifiers: Orphanet 352328, MedGen C4040739, MONDO:0013875, OMIM 614739.

Allele frequency attached by ClinVar (database versions not stated): TOPMed 0.00022; ESP Exome Variant Server 0.00031; gnomAD 0.00039 and 0.00040.
gnomAD v4.1: 523 of 1,610,734 alleles (0.032%); highest among the groups gnomAD compares: Non-Finnish European, 0.031%; no homozygotes.

Submissions (6):

Labcorp Genetics (formerly Invitae), Labcorp
Classification: Likely benign for 3-methylglutaconic aciduria with deafness, encephalopathy, and Leigh-like syndrome. Last evaluated: 2026-01-19. Review status: criteria provided, single submitter. Criteria: Invitae Variant Classification Sherloc (09022015). Collection method: clinical testing. Allele origin: germline.

CeGaT Center for Human Genetics Tuebingen
Classification: Likely benign. Last evaluated: 2025-02-01. Review status: criteria provided, single submitter. Criteria: CeGaT Center For Human Genetics Tuebingen Variant Classification Criteria Version 2. Collection method: clinical testing. Allele origin: germline. Affected: yes. Observed: 1 variant allele.
Comment: SERAC1: BP4

Blueprint Genetics
Classification: Likely benign. Last evaluated: 2024-10-09. Review status: criteria provided, single submitter. Criteria: ACMG Guidelines, 2015. Collection method: clinical testing. Allele origin: germline.

Genome-Nilou Lab
Classification: Likely benign for 3-methylglutaconic aciduria with deafness, encephalopathy, and Leigh-like syndrome. Last evaluated: 2022-03-15. Review status: criteria provided, single submitter. Criteria: ACMG Guidelines, 2015. Collection method: clinical testing. Allele origin: germline. Affected: no.

GeneDx
Classification: Likely benign. Last evaluated: 2016-09-08. Review status: criteria provided, single submitter. Criteria: GeneDx Variant Classification (06012015). Collection method: clinical testing. Allele origin: germline. Affected: yes.
Comment: This variant is considered likely benign or benign based on one or more of the following criteria: it is a conservative change, it occurs at a poorly conserved position in the protein, it is predicted to be benign by multiple in silico algorithms, and/or has population frequency not consistent with disease.

PreventionGenetics, part of Exact Sciences
Classification: Likely benign for SERAC1-related condition. Last evaluated: 2024-08-19. Review status: no assertion criteria provided. Collection method: clinical testing. Allele origin: germline. Not counted in ClinVar's aggregate classification.
Comment: This variant is classified as likely benign based on ACMG/AMP sequence variant interpretation guidelines (Richards et al. 2015 PMID: 25741868, with internal and published modifications).